The following is an entry in ClinVar:

NM_000246.4(CIITA):c.331C>A (p.Leu111Met)

Gene: CIITA (class II major histocompatibility complex transactivator; plus strand). Cytogenetic location: 16p13.13.
Variant type: single nucleotide variant.
Coding change: c.331C>A on transcript NM_000246.4 (MANE Select); coding-DNA position 331, C replaced by A.
Protein change: p.Leu111Met; replaces leucine 111 with methionine.
Molecular consequence: missense variant. On other transcripts: non-coding transcript variant (1).
Genome position (GRCh38, 1-based): chr16:10,898,705, C>A. VCF-style: chr16-10898705-C-A. GRCh37 (hg19) VCF-style: chr16-10992562-C-A.
Other names: c.331C>A, p.Leu111Met (NM_001286402.1, NM_001286403.2, NM_001379330.1 and 3 more transcripts); c.259C>A, p.Leu87Met (NM_001379334.1); short protein forms L111M, L87M.
Identifiers: ClinVar variation 990978 (VCV000990978.6), dbSNP rs368329679, ClinGen allele CA394727197.

ClinVar aggregate classification (germline): Uncertain significance. Review status: criteria provided, single submitter (1 of 4 stars). 2 submissions from 2 submitters: Uncertain significance (1). 1 of the submissions does not count toward it. Last evaluated 2022-07-10.

Conditions:
MHC class II deficiency. Also called: Bare lymphocyte syndrome 2; BLS, TYPE II. Identifiers: Orphanet 572, MedGen C5447452, MONDO:0008855.

Allele frequency attached by ClinVar (database versions not stated): TOPMed 0.00001.
gnomAD v4.1: 5 of 1,611,864 alleles (0.00031%); highest among the groups gnomAD compares: Non-Finnish European, 0.00042%; no homozygotes.

Submissions (2):

Labcorp Genetics (formerly Invitae), Labcorp
Classification: Uncertain significance for MHC class II deficiency. Last evaluated: 2022-07-10. Review status: criteria provided, single submitter. Criteria: Invitae Variant Classification Sherloc (09022015). Collection method: clinical testing. Allele origin: germline.
Comment: This sequence change replaces leucine, which is neutral and non-polar, with methionine, which is neutral and non-polar, at codon 111 of the CIITA protein (p.Leu111Met). This variant is not present in population databases (gnomAD no frequency). This variant has not been reported in the literature in individuals affected with CIITA-related conditions. ClinVar contains an entry for this variant (Variation ID: 990978). Algorithms developed to predict the effect of missense changes on protein structure and function are either unavailable or do not agree on the potential impact of this missense change (SIFT: "Deleterious"; PolyPhen-2: "Benign"; Align-GVGD: "Class C0"). In summary, the available evidence is currently insufficient to determine the role of this variant in disease. Therefore, it has been classified as a Variant of Uncertain Significance.

Natera, Inc.
Classification: Uncertain significance for Bare lymphocyte syndrome type II. Last evaluated: 2020-04-24. Review status: no assertion criteria provided. Collection method: clinical testing. Allele origin: germline. Not counted in ClinVar's aggregate classification.